The following is an entry in ClinVar:

NM_020347.4(LZTFL1):c.606dup (p.Ile203fs)

Gene: LZTFL1 (leucine zipper transcription factor like 1; minus strand). Cytogenetic location: 3p21.31.
Variant type: Duplication.
Coding change: c.606dup on transcript NM_020347.4 (MANE Select); coding-DNA position 606, one base duplicated (T; older notation c.606dupT).
Protein change: p.Ile203fs; shifts the reading frame from isoleucine 203.
Molecular consequence: frameshift variant. On other transcripts: non-coding transcript variant (1).
Genome position (GRCh38, 1-based): chr3:45,828,610, A duplicated on the plus strand (T on the coding strand, the reverse complement: LZTFL1 is on the minus strand); the first of 4 consecutive A bases (chr3:45,828,610-45,828,613); duplicating any one gives the same sequence. VCF-style (leftmost placement, unchanged base first): chr3-45828609-T-TA. GRCh37 (hg19) VCF-style: chr3-45870101-T-TA.
Other names: c.555dup, p.Ile186fs (NM_001276378.2, NM_001386451.1); c.594dup, p.Ile199fs (NM_001276379.2); c.606dup, p.Ile203fs (NM_001386452.1); c.627dup, p.Ile211Tyrfs (NM_001405920.1, NM_001405925.1); c.591dup, p.Ile199Tyrfs (NM_001405921.1); c.552dup, p.Ile186Tyrfs (NM_001405922.1, NM_001405923.1, NM_001405926.1 and 2 more transcripts); c.537dup, p.Ile181Tyrfs (NM_001405924.1); short protein forms I199fs, I203fs, I186fs.
Identifiers: ClinVar variation 2048577 (VCV002048577.4), dbSNP rs2529751468, ClinGen allele CA2580069864.

ClinVar aggregate classification (germline): Pathogenic (1 of 4 stars; one submission).

Submission:

Labcorp Genetics (formerly Invitae), Labcorp
Classification: Pathogenic. Last evaluated: 2021-12-31. Review status: criteria provided, single submitter. Criteria: Invitae Variant Classification Sherloc (09022015). Collection method: clinical testing. Allele origin: germline.
Comment: This sequence change creates a premature translational stop signal (p.Ile203Tyrfs*8) in the LZTFL1 gene. It is expected to result in an absent or disrupted protein product. Loss-of-function variants in LZTFL1 are known to be pathogenic (PMID: 22510444, 23692385). This variant is not present in population databases (gnomAD no frequency). This variant has not been reported in the literature in individuals affected with LZTFL1-related conditions. For these reasons, this variant has been classified as Pathogenic.

Literature cited by the submitters: PubMed 22510444; PubMed 23692385.